The following is an entry in ClinVar:

ClinVar aggregate classification (germline): Pathogenic (1 of 4 stars; one submission).

Conditions:
Jeune thoracic dystrophy. Also called: Jeune syndrome; Infantile thoracic dystrophy; Thoracic pelvic phalangeal dystrophy; Jeune's syndrome; Chondroectodermal dysplasia-like syndrome; Short-rib thoracic dysplasia. Identifiers: Orphanet 474, MedGen C0265275, MONDO:0018770.
Nephronophthisis. Also called: Juvenile Nephronophthisis. Identifiers: Orphanet 655, MedGen C0687120, MONDO:0019005, HP:0000090.

Submission:

Labcorp Genetics (formerly Invitae), Labcorp
Classification: Pathogenic for Jeune thoracic dystrophy; Nephronophthisis. Last evaluated: 2022-07-19. Review status: criteria provided, single submitter. Criteria: Invitae Variant Classification Sherloc (09022015). Collection method: clinical testing. Allele origin: germline.
Comment: For these reasons, this variant has been classified as Pathogenic. ClinVar contains an entry for this variant (Variation ID: 1458764). This variant has not been reported in the literature in individuals affected with TTC21B-related conditions. This variant is not present in population databases (gnomAD no frequency). This sequence change creates a premature translational stop signal (p.Ser648Phefs*5) in the TTC21B gene. It is expected to result in an absent or disrupted protein product. Loss-of-function variants in TTC21B are known to be pathogenic (PMID: 18327258, 21068128, 21258341, 23559409, 24876116, 25492405, 27491411, 29068549).

Literature cited by the submitters: PubMed 18327258; PubMed 21068128; PubMed 21258341; PubMed 23559409; PubMed 24876116; PubMed 25492405; PubMed 27491411; PubMed 29068549.

NM_024753.5(TTC21B):c.1942dup (p.Ser648fs)

Gene: TTC21B (tetratricopeptide repeat domain 21B; minus strand). Cytogenetic location: 2q24.3.
Variant type: Duplication.
Coding change: c.1942dup on transcript NM_024753.5 (MANE Select); coding-DNA position 1942, one base duplicated (T; older notation c.1942dupT).
Protein change: p.Ser648fs; shifts the reading frame from serine 648.
Molecular consequence: frameshift variant.
Genome position (GRCh38, 1-based): chr2:165,915,397, A duplicated on the plus strand (T on the coding strand, the reverse complement: TTC21B is on the minus strand); the first of 4 consecutive A bases (chr2:165,915,397-165,915,400); duplicating any one gives the same sequence. VCF-style (leftmost placement, unchanged base first): chr2-165915396-G-GA. GRCh37 (hg19) VCF-style: chr2-166771906-G-GA.
Other names: short protein forms S648fs.
Identifiers: ClinVar variation 1458764 (VCV001458764.6), dbSNP rs2105324384, ClinGen allele CA2573133479.